The following is an entry in ClinVar:

ClinVar aggregate classification (germline): Uncertain significance (1 of 4 stars; one submission).

Submission:

GeneDx
Classification: Uncertain significance. Last evaluated: 2020-12-15. Review status: criteria provided, single submitter. Criteria: GeneDx Variant Classification Process June 2021. Collection method: clinical testing. Allele origin: germline. Affected: yes.
Comment: Not observed in large population cohorts (Lek et al., 2016); In silico analysis supports that this missense variant does not alter protein structure/function; Has not been previously published as pathogenic or benign to our knowledge

NM_001110556.2(FLNA):c.742G>C (p.Val248Leu)

Gene: FLNA (filamin A; minus strand). Cytogenetic location: Xq28.
Variant type: single nucleotide variant.
Coding change: c.742G>C on transcript NM_001110556.2 (MANE Select); coding-DNA position 742, G replaced by C.
Protein change: p.Val248Leu; replaces valine 248 with leucine.
Molecular consequence: missense variant.
Genome position (GRCh38, 1-based): chrX:154,367,523, C>G on the plus strand (G>C on the coding strand, the complement: FLNA is on the minus strand). VCF-style: chrX-154367523-C-G. GRCh37 (hg19) VCF-style: chrX-153595891-C-G.
Other names: c.742G>C, p.Val248Leu (NM_001456.4); short protein forms V248L.
Identifiers: ClinVar variation 1304371 (VCV001304371.2), dbSNP rs2148119021, ClinGen allele CA415248668.